The following is an entry in ClinVar:

NM_002350.4(LYN):c.320C>G (p.Thr107Arg)

Gene: LYN (LYN proto-oncogene, Src family tyrosine kinase; plus strand). Cytogenetic location: 8q12.1.
Variant type: single nucleotide variant.
Coding change: c.320C>G on transcript NM_002350.4 (MANE Select); coding-DNA position 320, C replaced by G.
Protein change: p.Thr107Arg; replaces threonine 107 with arginine.
Molecular consequence: missense variant.
Genome position (GRCh38, 1-based): chr8:55,950,494, C>G. VCF-style: chr8-55950494-C-G. GRCh37 (hg19) VCF-style: chr8-56863053-C-G.
Other names: c.257C>G, p.Thr86Arg (NM_001111097.3); short protein forms T86R, T107R.
Identifiers: ClinVar variation 1347900 (VCV001347900.6), dbSNP rs2130491703, ClinGen allele CA371279825.

ClinVar aggregate classification (germline): Uncertain significance (1 of 4 stars; one submission).

gnomAD v4.1: 1 of 1,612,654 alleles (0.000062%); highest among the groups gnomAD compares: South Asian, 0.0011%; no homozygotes.

Submission:

Labcorp Genetics (formerly Invitae), Labcorp
Classification: Uncertain significance. Last evaluated: 2022-07-26. Review status: criteria provided, single submitter. Criteria: Invitae Variant Classification Sherloc (09022015). Collection method: clinical testing. Allele origin: germline.
Comment: In summary, the available evidence is currently insufficient to determine the role of this variant in disease. Therefore, it has been classified as a Variant of Uncertain Significance. This variant is not present in population databases (gnomAD no frequency). This sequence change replaces threonine, which is neutral and polar, with arginine, which is basic and polar, at codon 107 of the LYN protein (p.Thr107Arg). Algorithms developed to predict the effect of missense changes on protein structure and function are either unavailable or do not agree on the potential impact of this missense change (SIFT: "Deleterious"; PolyPhen-2: "Benign"; Align-GVGD: "Class C15"). ClinVar contains an entry for this variant (Variation ID: 1347900). This variant has not been reported in the literature in individuals affected with LYN-related conditions.